The following is an entry in ClinVar:

ClinVar aggregate classification (germline): Benign/Likely benign. Review status: criteria provided, multiple submitters, no conflicts (2 of 4 stars). 4 submissions from 4 submitters: Benign (3); Likely benign (1). Last evaluated 2026-02-02.

Conditions:
Proline dehydrogenase deficiency (HYRPRO1). Also called: PROLINE OXIDASE DEFICIENCY; Hyperprolinemia type 1. Identifiers: Orphanet 419, MedGen C0268529, MONDO:0009400, OMIM 239500.

Allele frequency attached by ClinVar (database versions not stated): 1000 Genomes Project 0.03974; gnomAD exomes 0.04938 and 0.06065; ESP Exome Variant Server 0.05036; ExAC 0.05039; gnomAD 0.05529.

Submissions (4):

Labcorp Genetics (formerly Invitae), Labcorp
Classification: Benign for Proline dehydrogenase deficiency. Last evaluated: 2026-02-02. Review status: criteria provided, single submitter. Criteria: Invitae Variant Classification Sherloc (09022015). Collection method: clinical testing. Allele origin: germline.

Blueprint Genetics
Classification: Likely benign. Last evaluated: 2024-11-28. Review status: criteria provided, single submitter. Criteria: ACMG Guidelines, 2015. Collection method: clinical testing. Allele origin: germline.

GeneDx
Classification: Benign. Last evaluated: 2019-01-08. Review status: criteria provided, single submitter. Criteria: GeneDx Variant Classification Process June 2021. Collection method: clinical testing. Allele origin: germline. Affected: yes.
Comment: This variant is associated with the following publications: (PMID: 22090377, 15662599, 23462603)

Breakthrough Genomics
Classification: Benign. Review status: criteria provided, single submitter. Criteria: ACMG Guidelines, 2015. Collection method: not provided. Allele origin: germline. Inheritance: Autosomal dominant inheritance. Affected: yes.

NM_016335.6(PRODH):c.1414G>A (p.Ala472Thr)

Gene: PRODH (proline dehydrogenase 1; minus strand). Cytogenetic location: 22q11.21.
Variant type: single nucleotide variant.
Coding change: c.1414G>A on transcript NM_016335.6 (MANE Select); coding-DNA position 1414, G replaced by A.
Protein change: p.Ala472Thr; replaces alanine 472 with threonine.
Molecular consequence: missense variant.
Genome position (GRCh38, 1-based): chr22:18,918,329, C>T on the plus strand (G>A on the coding strand, the complement: PRODH is on the minus strand). VCF-style: chr22-18918329-C-T. GRCh37 (hg19) VCF-style: chr22-18905842-C-T.
Other names: c.1090G>A, p.Ala364Thr (NM_001195226.2); short protein forms A364T, A472T.
Identifiers: ClinVar variation 1168804 (VCV001168804.13), dbSNP rs2870983, ClinGen allele CA10094958.